The following is an entry in ClinVar:

NM_001018005.2(TPM1):c.154G>A (p.Gly52Ser)

Gene: TPM1 (tropomyosin 1; plus strand). Cytogenetic location: 15q22.2.
Variant type: single nucleotide variant.
Coding change: c.154G>A on transcript NM_001018005.2 (MANE Select); coding-DNA position 154, G replaced by A.
Protein change: p.Gly52Ser; replaces glycine 52 with serine.
Molecular consequence: missense variant. On other transcripts: intron variant (3).
Genome position (GRCh38, 1-based): chr15:63,044,066, G>A. VCF-style: chr15-63044066-G-A. GRCh37 (hg19) VCF-style: chr15-63336265-G-A.
Other names: p.G52S:GGC>AGC; c.154G>A, p.Gly52Ser (NM_000366.6, NM_001018004.2, NM_001018006.2 and 3 more transcripts); c.280G>A, p.Gly94Ser (NM_001365778.1); c.240+235G>A (NM_001018020.2, NM_001018007.2, NM_001301244.2); short protein forms G52S, G94S.
Identifiers: ClinVar variation 181651 (VCV000181651.9), dbSNP rs730881127, ClinGen allele CA018660.

ClinVar aggregate classification (germline): Uncertain significance. Review status: criteria provided, multiple submitters, no conflicts (2 of 4 stars). 3 submissions from 3 submitters: Uncertain significance (3). Last evaluated 2024-03-07.

Conditions:
Cardiomyopathy (CMYO). Also called: Cardiomyopathies. Identifiers: Orphanet 167848, MedGen C0878544, MONDO:0004994, HP:0001638. Inheritance: Various modes of inheritance.

Submissions (3):

Color Diagnostics, LLC DBA Color Health
Classification: Uncertain significance for Cardiomyopathy. Last evaluated: 2024-03-07. Review status: criteria provided, single submitter. Criteria: ACMG Guidelines, 2015. Collection method: clinical testing. Allele origin: germline.
Comment: This missense variant replaces glycine with serine at codon 52 of the TPM1 protein. Computational prediction tool suggests that this variant may not impact protein structure and function (internally defined REVEL score threshold <=0.5, PMID: 27666373). Splice site prediction tools suggest that this variant may not impact RNA splicing. To our knowledge, functional studies have not been performed for this variant. This variant has not been reported in individuals affected with cardiovascular disorders in the literature. This variant has not been identified in the general population by the Genome Aggregation Database (gnomAD). The available evidence is insufficient to determine the role of this variant in disease conclusively. Therefore, this variant is classified as a Variant of Uncertain Significance.

Revvity Omics, Revvity
Classification: Uncertain significance. Last evaluated: 2021-02-26. Review status: criteria provided, single submitter. Criteria: ACMG Guidelines, 2015. Collection method: clinical testing. Allele origin: germline.

GeneDx
Classification: Uncertain significance. Last evaluated: 2015-12-14. Review status: criteria provided, single submitter. Criteria: GeneDx Variant Classification (06012015). Collection method: clinical testing. Allele origin: germline. Affected: yes.
Comment: The Gly52Ser variant in the TPM1 gene has not been reported as a disease-causing mutation nor as a benign polymorphism, to our knowledge. Gly52Ser results in a non-conservative amino acid substitution of a non-polar Glycine with a neutral, polar Serine at a residue that is not conserved across species. As a result, in silico analysis predicts Gly52Ser likely has a benign effect on the protein structure/function. However, mutations in nearby codons (Glu40Lys, Glu54Lys) have been reported in association with cardiomyopathy. In addition, the NHLBI ESP Exome Variant Server reports Gly52Ser was not observed in approximately 5,000 samples from individuals of European and African American backgrounds, indicating it is not a common benign variant in these populations. In summary, the clinical significance of the Gly52Ser variant in the TPM1 gene is currently unknown. The variant is found in HCM panel(s).